The following is an entry in ClinVar:

ClinVar aggregate classification (germline): Uncertain significance. Review status: criteria provided, multiple submitters, no conflicts (2 of 4 stars). 2 submissions from 2 submitters: Uncertain significance (2). Last evaluated 2026-09-10.

Conditions:
Charcot-Marie-Tooth disease axonal type 2V. Also called: CHARCOT-MARIE-TOOTH NEUROPATHY, TYPE 2V; CHARCOT-MARIE-TOOTH DISEASE, AXONAL, AUTOSOMAL DOMINANT, TYPE 2V. Identifiers: Orphanet 447964, MedGen C5569050, MONDO:0014665, OMIM 616491.
Mucopolysaccharidosis, MPS-III-B (MPS3B). Also called: SANFILIPPO SYNDROME B; MUCOPOLYSACCHARIDOSIS, TYPE IIIB; MPS III B; N-ACETYL-ALPHA-D-GLUCOSAMINIDASE DEFICIENCY; NAGLU DEFICIENCY; Mucopolysaccharidosis type IIIB (Sanfilippo B). Identifiers: Orphanet 79270, MedGen C0086648, MONDO:0009656, OMIM 252920.
Inborn genetic diseases. Identifiers: MedGen C0950123, MeSH D030342.

Allele frequency attached by ClinVar (database versions not stated): TOPMed below 0.00001; gnomAD 0.00001.

Submissions (2):

Ambry Genetics
Classification: Uncertain significance for Inborn genetic diseases. Last evaluated: 2026-09-10. Review status: criteria provided, single submitter. Criteria: Ambry Variant Classification Scheme 2023. Collection method: clinical testing. Allele origin: germline.

Labcorp Genetics (formerly Invitae), Labcorp
Classification: Uncertain significance for Charcot-Marie-Tooth disease axonal type 2V; Mucopolysaccharidosis, MPS-III-B. Last evaluated: 2022-08-16. Review status: criteria provided, single submitter. Criteria: Invitae Variant Classification Sherloc (09022015). Collection method: clinical testing. Allele origin: germline.
Comment: This sequence change replaces glycine, which is neutral and non-polar, with arginine, which is basic and polar, at codon 88 of the NAGLU protein (p.Gly88Arg). This variant is present in population databases (no rsID available, gnomAD 0.01%). This variant has not been reported in the literature in individuals affected with NAGLU-related conditions. ClinVar contains an entry for this variant (Variation ID: 1405983). Advanced modeling of protein sequence and biophysical properties (such as structural, functional, and spatial information, amino acid conservation, physicochemical variation, residue mobility, and thermodynamic stability) performed at Invitae indicates that this missense variant is expected to disrupt NAGLU protein function. In summary, the available evidence is currently insufficient to determine the role of this variant in disease. Therefore, it has been classified as a Variant of Uncertain Significance.

NM_000263.4(NAGLU):c.262G>C (p.Gly88Arg)

Genes: NAGLU (N-acetyl-alpha-glucosaminidase; plus strand), LOC130060903 (ATAC-STARR-seq lymphoblastoid silent region 8533; plus strand). Cytogenetic location: 17q21.2.
Variant type: single nucleotide variant.
Coding change: c.262G>C on transcript NM_000263.4 (MANE Select); coding-DNA position 262, G replaced by C.
Protein change: p.Gly88Arg; replaces glycine 88 with arginine.
Molecular consequence: missense variant.
Genome position (GRCh38, 1-based): chr17:42,536,534, G>C. VCF-style: chr17-42536534-G-C. GRCh37 (hg19) VCF-style: chr17-40688552-G-C.
Other names: c.262G>C (NM_000263.3); short protein forms G88R.
Identifiers: ClinVar variation 1405983 (VCV001405983.4), dbSNP rs1227387097, ClinGen allele CA399595842.